The following is an entry in ClinVar:

NM_003919.3(SGCE):c.942C>G (p.Tyr314Ter)

Genes: CASD1 (CAS1 domain sialic acid O acetyltransferase 1; plus strand), SGCE (sarcoglycan epsilon; minus strand). Cytogenetic location: 7q21.3.
Variant type: single nucleotide variant.
Coding change: c.942C>G on transcript NM_003919.3 (MANE Select); coding-DNA position 942, C replaced by G.
Protein change: p.Tyr314Ter; replaces tyrosine 314 with a stop codon.
Molecular consequence: nonsense.
Genome position (GRCh38, 1-based): chr7:94,600,741, G>C on the plus strand (C>G on the coding strand, the complement: SGCE is on the minus strand). VCF-style: chr7-94600741-G-C. GRCh37 (hg19) VCF-style: chr7-94230053-G-C.
Other names: c.819C>G, p.Tyr273Ter (NM_001362809.2, NM_001301139.2); c.942C>G, p.Tyr314Ter (NM_001099400.2, NM_001099401.2, NM_001346717.2); c.1050C>G, p.Tyr350Ter (NM_001346713.2, NM_001346715.2); c.855C>G, p.Tyr285Ter (NM_001346719.2, NM_001362807.2); c.669C>G, p.Tyr223Ter (NM_001346720.2, NM_001362808.2); short protein forms Y223*, Y350*, Y273*, Y314*, Y285*.
Identifiers: ClinVar variation 1429282 (VCV001429282.6), dbSNP rs2116694543, ClinGen allele CA368230777.

ClinVar aggregate classification (germline): Pathogenic (1 of 4 stars; one submission).

Conditions:
Myoclonic dystonia 11 (DYT11). Also called: Myoclonic dystonia; Dystonia 11; Dystonia, alcohol responsive; Hereditary essential myoclonus; SGCE Myoclonus-Dystonia; Myoclonus-Dystonia. Identifiers: Orphanet 36899, MedGen C1834570, MONDO:0008044, OMIM 159900.

Allele frequency attached by ClinVar (database versions not stated): gnomAD exomes below 0.00001.
gnomAD v4.1: 1 of 1,613,754 alleles (0.000062%); highest among the groups gnomAD compares: Non-Finnish European, 0.000085%; no homozygotes.

Submission:

Labcorp Genetics (formerly Invitae), Labcorp
Classification: Pathogenic for Myoclonic dystonia 11. Last evaluated: 2022-02-22. Review status: criteria provided, single submitter. Criteria: Invitae Variant Classification Sherloc (09022015). Collection method: clinical testing. Allele origin: germline.
Comment: This variant is not present in population databases (gnomAD no frequency). This sequence change creates a premature translational stop signal (p.Tyr314*) in the SGCE gene. It is expected to result in an absent or disrupted protein product. Loss-of-function variants in SGCE are known to be pathogenic (PMID: 12821748, 15389977, 17853490, 24297365). This premature translational stop signal has been observed in individuals with SGCE-related conditions (PMID: 19147379, 32927286). For these reasons, this variant has been classified as Pathogenic.

Literature cited by the submitters: PubMed 12821748; PubMed 15389977; PubMed 17853490; PubMed 24297365; PubMed 19147379; PubMed 32927286.